The following is an entry in ClinVar:

NM_006231.4(POLE):c.5653G>C (p.Ala1885Pro)

Gene: POLE (DNA polymerase epsilon, catalytic subunit; minus strand). Cytogenetic location: 12q24.33.
Variant type: single nucleotide variant.
Coding change: c.5653G>C on transcript NM_006231.4 (MANE Select); coding-DNA position 5653, G replaced by C.
Protein change: p.Ala1885Pro; replaces alanine 1885 with proline.
Molecular consequence: missense variant.
Genome position (GRCh38, 1-based): chr12:132,638,039, C>G on the plus strand (G>C on the coding strand, the complement: POLE is on the minus strand). VCF-style: chr12-132638039-C-G. GRCh37 (hg19) VCF-style: chr12-133214625-C-G.
Other names: c.5653G>C (NM_006231.2); short protein forms A1885P.
Identifiers: ClinVar variation 2852501 (VCV002852501.4), dbSNP rs748008084, ClinGen allele CA387373974.

ClinVar aggregate classification (germline): Uncertain significance. Review status: criteria provided, multiple submitters, no conflicts (2 of 4 stars). 2 submissions from 2 submitters: Uncertain significance (2). Last evaluated 2025-05-27.

Conditions:
Hereditary cancer-predisposing syndrome. Also called: Neoplastic Syndromes, Hereditary; Hereditary Cancer Syndrome; Tumor predisposition; Hereditary neoplastic syndrome. Identifiers: Orphanet 140162, MedGen C0027672, MeSH D009386, MONDO:0015356.

Submissions (2):

Ambry Genetics
Classification: Uncertain significance for Hereditary cancer-predisposing syndrome. Last evaluated: 2025-05-27. Review status: criteria provided, single submitter. Criteria: Ambry Variant Classification Scheme 2023. Collection method: clinical testing. Allele origin: germline.
Comment: The p.A1885P variant (also known as c.5653G>C), located in coding exon 41 of the POLE gene, results from a G to C substitution at nucleotide position 5653. The alanine at codon 1885 is replaced by proline, an amino acid with highly similar properties. This amino acid position is not well conserved in available vertebrate species. In addition, the in silico prediction for this alteration is inconclusive. Based on the available evidence, the clinical significance of this variant remains unclear.

Labcorp Genetics (formerly Invitae), Labcorp
Classification: Uncertain significance. Last evaluated: 2024-10-31. Review status: criteria provided, single submitter. Criteria: Invitae Variant Classification Sherloc (09022015). Collection method: clinical testing. Allele origin: germline.
Comment: This sequence change replaces alanine, which is neutral and non-polar, with proline, which is neutral and non-polar, at codon 1885 of the POLE protein (p.Ala1885Pro). This variant is not present in population databases (gnomAD no frequency). This variant has not been reported in the literature in individuals affected with POLE-related conditions. ClinVar contains an entry for this variant (Variation ID: 2852501). Invitae Evidence Modeling of protein sequence and biophysical properties (such as structural, functional, and spatial information, amino acid conservation, physicochemical variation, residue mobility, and thermodynamic stability) indicates that this missense variant is not expected to disrupt POLE protein function with a negative predictive value of 80%. In summary, the available evidence is currently insufficient to determine the role of this variant in disease. Therefore, it has been classified as a Variant of Uncertain Significance.